The following is an entry in ClinVar:

ClinVar aggregate classification (germline): Conflicting classifications of pathogenicity. Review status: criteria provided, conflicting classifications (1 of 4 stars). 6 submissions from 6 submitters: Uncertain significance (2); Benign (1); Likely benign (3). Last evaluated 2026-01-18.

Conditions:
Cardiovascular phenotype. Identifiers: MedGen CN230736.
Duchenne muscular dystrophy (DMD). Also called: MUSCULAR DYSTROPHY, PSEUDOHYPERTROPHIC PROGRESSIVE, DUCHENNE TYPE; Duchenne Muscular Dystrophy (DMD). Identifiers: Orphanet 98896, MedGen C0013264, MONDO:0010679, OMIM 310200.

Allele frequency attached by ClinVar (database versions not stated): ExAC 0.00002; gnomAD exomes 0.00004 and 0.00022; gnomAD 0.00005; TOPMed 0.00005.
gnomAD v4.1: 241 of 1,208,547 alleles (0.02%); highest among the groups gnomAD compares: Non-Finnish European, 0.026%; no homozygotes.

Submissions (6):

Labcorp Genetics (formerly Invitae), Labcorp
Classification: Benign for Duchenne muscular dystrophy. Last evaluated: 2026-01-18. Review status: criteria provided, single submitter. Criteria: Invitae Variant Classification Sherloc (09022015). Collection method: clinical testing. Allele origin: germline.

Ambry Genetics
Classification: Uncertain significance for Cardiovascular phenotype. Last evaluated: 2025-09-25. Review status: criteria provided, single submitter. Criteria: Ambry Variant Classification Scheme 2023. Collection method: clinical testing. Allele origin: germline.
Comment: The p.G2151D variant (also known as c.6452G>A), located in coding exon 45 of the DMD gene, results from a G to A substitution at nucleotide position 6452. The glycine at codon 2151 is replaced by aspartic acid, an amino acid with similar properties. This alteration has been reported in a dilated cardiomyopathy (DCM) cohort (Mazzarotto F et al. Circulation, 2020 Feb;141:387-398). Based on data from gnomAD, the A allele has an overall frequency of 0.004% (8/182145) total alleles studied, with 3 hemizygotes observed. The highest observed frequency was 0.02% (3/13116) of African alleles. This amino acid position is highly conserved in available vertebrate species. In addition, this alteration is predicted to be tolerated by in silico analysis. Since supporting evidence is limited at this time, the clinical significance of this alteration remains unclear.

Revvity Omics, Revvity
Classification: Likely benign. Last evaluated: 2025-04-21. Review status: criteria provided, single submitter. Criteria: ACMG Guidelines, 2015. Collection method: clinical testing. Allele origin: germline.

GeneDx
Classification: Likely benign. Last evaluated: 2023-08-30. Review status: criteria provided, single submitter. Criteria: GeneDx Variant Classification Process June 2021. Collection method: clinical testing. Allele origin: germline. Affected: yes.
Comment: See Variant Classification Assertion Criteria.

Blueprint Genetics
Classification: Likely benign. Last evaluated: 2021-05-20. Review status: criteria provided, single submitter. Criteria: ACMG Guidelines, 2015. Collection method: clinical testing. Allele origin: germline.

Eurofins Ntd Llc (ga)
Classification: Uncertain significance. Last evaluated: 2014-04-24. Review status: criteria provided, single submitter. Criteria: EGL Classification Definitions 2015. Collection method: clinical testing. Allele origin: germline. Observed: 1 variant allele, 1 heterozygote.

Literature cited by the submitters: PubMed 31983221 (cited by Ambry Genetics).

NM_004006.3(DMD):c.6452G>A (p.Gly2151Asp)

Gene: DMD (dystrophin; minus strand). Cytogenetic location: Xp21.1.
Variant type: single nucleotide variant.
Coding change: c.6452G>A on transcript NM_004006.3 (MANE Select); coding-DNA position 6452, G replaced by A.
Protein change: p.Gly2151Asp; replaces glycine 2151 with aspartic acid.
Molecular consequence: missense variant. On other transcripts: 5 prime UTR variant (5).
Genome position (GRCh38, 1-based): chrX:31,968,501, C>T on the plus strand (G>A on the coding strand, the complement: DMD is on the minus strand). VCF-style: chrX-31968501-C-T. GRCh37 (hg19) VCF-style: chrX-31986618-C-T.
Other names: c.6428G>A, p.Gly2143Asp (NM_000109.4); c.6440G>A, p.Gly2147Asp (NM_004009.3); c.6083G>A, p.Gly2028Asp (NM_004010.3); c.2429G>A, p.Gly810Asp (NM_004011.4); c.2420G>A, p.Gly807Asp (NM_004012.4); c.-929G>A (NM_004013.3, NM_004020.4, NM_004021.3 and 2 more transcripts); short protein forms G807D, G2147D, G2028D, G2143D, G810D.
Identifiers: ClinVar variation 166707 (VCV000166707.29), dbSNP rs727503815, ClinGen allele CA233495.